The following is an entry in ClinVar:

ClinVar aggregate classification (germline): Likely benign. Review status: criteria provided, multiple submitters, no conflicts (2 of 4 stars). 2 submissions from 2 submitters: Likely benign (2). Last evaluated 2024-12-17.

Conditions:
Inclusion body myopathy with Paget disease of bone and frontotemporal dementia. Also called: Inclusion body myopathy with early-onset Paget disease and frontotemporal dementia. Identifiers: Orphanet 52430, MedGen C1833662, MONDO:0000507.
Frontotemporal dementia and/or amyotrophic lateral sclerosis 6 (FTDALS6). Also called: VCP-Related Amyotrophic Lateral Sclerosis/Frontotemporal Dementia; VCP-Related Amyotrophic Lateral Sclerosis. Identifiers: Orphanet 275872, Orphanet 803, MedGen C5436279, MONDO:0013501, OMIM 613954.

Allele frequency attached by ClinVar (database versions not stated): gnomAD exomes below 0.00001 and 0.00001; gnomAD 0.00001; ExAC 0.00002.
gnomAD v4.1: 4 of 1,614,010 alleles (0.00025%); highest among the groups gnomAD compares: Admixed American, 0.0033%; no homozygotes.

Submissions (2):

Labcorp Genetics (formerly Invitae), Labcorp
Classification: Likely benign for Inclusion body myopathy with Paget disease of bone and frontotemporal dementia; Frontotemporal dementia and/or amyotrophic lateral sclerosis 6. Last evaluated: 2024-12-17. Review status: criteria provided, single submitter. Criteria: Invitae Variant Classification Sherloc (09022015). Collection method: clinical testing. Allele origin: germline.

CeGaT Center for Human Genetics Tuebingen
Classification: Likely benign. Last evaluated: 2022-07-01. Review status: criteria provided, single submitter. Criteria: CeGaT Center For Human Genetics Tuebingen Variant Classification Criteria Version 2. Collection method: clinical testing. Allele origin: germline. Affected: yes. Observed: 1 variant allele.
Comment: VCP: BP4, BP7

NM_007126.5(VCP):c.975A>G (p.Val325=)

Gene: VCP (valosin containing protein; minus strand). Cytogenetic location: 9p13.3.
Variant type: single nucleotide variant.
Coding change: c.975A>G on transcript NM_007126.5 (MANE Select); coding-DNA position 975, A replaced by G.
Protein change: p.Val325=; no amino-acid change (valine 325 retained).
Molecular consequence: synonymous variant.
Genome position (GRCh38, 1-based): chr9:35,062,109, T>C on the plus strand (A>G on the coding strand, the complement: VCP is on the minus strand). VCF-style: chr9-35062109-T-C. GRCh37 (hg19) VCF-style: chr9-35062106-T-C.
Other names: c.840A>G, p.Val280= (NM_001354927.2, NM_001354928.2).
Identifiers: ClinVar variation 1133903 (VCV001133903.33), dbSNP rs749849000, ClinGen allele CA5039342.